The following is an entry in ClinVar:

NM_001365276.2(TNXB):c.529C>T (p.Pro177Ser)

Gene: TNXB (tenascin XB; minus strand). Cytogenetic location: 6p21.33.
Variant type: single nucleotide variant.
Coding change: c.529C>T on transcript NM_001365276.2 (MANE Select); coding-DNA position 529, C replaced by T.
Protein change: p.Pro177Ser; replaces proline 177 with serine.
Molecular consequence: missense variant.
Genome position (GRCh38, 1-based): chr6:32,097,324, G>A on the plus strand (C>T on the coding strand, the complement: TNXB is on the minus strand). VCF-style: chr6-32097324-G-A. GRCh37 (hg19) VCF-style: chr6-32065101-G-A.
Other names: p.Pro177Ser; c.529C>T, p.Pro177Ser (NM_019105.8); short protein forms P177S.
Identifiers: ClinVar variation 1204910 (VCV001204910.17), dbSNP rs369052118, ClinGen allele CA3735832.

ClinVar aggregate classification (germline): Conflicting classifications of pathogenicity. Review status: criteria provided, conflicting classifications (1 of 4 stars). 5 submissions from 5 submitters: Uncertain significance (4); Likely benign (1). Last evaluated 2025-10-02.

Conditions:
Cardiovascular phenotype. Identifiers: MedGen CN230736.
Vesicoureteral reflux 8 (VUR8). Identifiers: Orphanet 289365, MedGen C4014831, MONDO:0014422, OMIM 615963.

Allele frequency attached by ClinVar (database versions not stated): TOPMed 0.00006; gnomAD 0.00007; ExAC 0.00009; gnomAD exomes 0.00009 and 0.00010; ESP Exome Variant Server 0.00016.
gnomAD v4.1: 144 of 1,613,486 alleles (0.0089%); highest among the groups gnomAD compares: Non-Finnish European, 0.011%; no homozygotes.

Submissions (5):

Ambry Genetics
Classification: Likely benign for Cardiovascular phenotype. Last evaluated: 2025-10-02. Review status: criteria provided, single submitter. Criteria: Ambry Variant Classification Scheme 2023. Collection method: clinical testing. Allele origin: germline.

Mayo Clinic Laboratories, Mayo Clinic
Classification: Uncertain significance. Last evaluated: 2025-09-10. Review status: criteria provided, single submitter. Criteria: ACMG Guidelines, 2015. Collection method: clinical testing. Allele origin: germline. Observed: 4 variant alleles.
Comment: BP4_moderate

CeGaT Center for Human Genetics Tuebingen
Classification: Uncertain significance. Last evaluated: 2025-09-01. Review status: criteria provided, single submitter. Criteria: CeGaT Center For Human Genetics Tuebingen Variant Classification Criteria Version 2. Collection method: clinical testing. Allele origin: germline. Affected: yes. Observed: 2 variant alleles.
Comment: TNXB: PM2, BP4

GeneDx
Classification: Uncertain significance. Last evaluated: 2025-03-04. Review status: criteria provided, single submitter. Criteria: GeneDx Variant Classification Process June 2021. Collection method: clinical testing. Allele origin: germline. Affected: yes.
Comment: Has not been previously published as pathogenic or benign to our knowledge; In silico analysis indicates that this missense variant does not alter protein structure/function

Revvity Omics, Revvity
Classification: Uncertain significance for Vesicoureteral reflux 8. Last evaluated: 2019-03-14. Review status: criteria provided, single submitter. Criteria: ACMG Guidelines, 2015. Collection method: clinical testing. Allele origin: germline.